The following is an entry in ClinVar:

ClinVar aggregate classification (germline): Likely pathogenic (1 of 4 stars; one submission).

Submission:

CeGaT Center for Human Genetics Tuebingen
Classification: Likely pathogenic. Last evaluated: 2025-10-01. Review status: criteria provided, single submitter. Criteria: CeGaT Center For Human Genetics Tuebingen Variant Classification Criteria Version 2. Collection method: clinical testing. Allele origin: germline. Affected: yes. Observed: 1 variant allele.
Comment: PPM1D: PM2, PM4, PS2:Moderate

NM_003620.4(PPM1D):c.1601_1603del (p.Phe534_Lys535delinsTer)

Gene: PPM1D (protein phosphatase, Mg2+/Mn2+ dependent 1D; plus strand). Cytogenetic location: 17q23.2.
Variant type: Deletion.
Coding change: c.1601_1603del on transcript NM_003620.4 (MANE Select); coding-DNA positions 1601 to 1603, 3 bases deleted (TTA; older notation c.1601_1603delTTA).
Protein change: p.Phe534_Lys535delinsTer.
Molecular consequence: nonsense.
Genome position (GRCh38, 1-based): chr17:60,663,335-60,663,337, TTA deleted. VCF-style (leftmost placement, unchanged base first): chr17-60663334-TTTA-T. GRCh37 (hg19) VCF-style: chr17-58740695-TTTA-T.
Identifiers: ClinVar variation 4534996 (VCV004534996.6).